The following is an entry in ClinVar:

NM_001190274.2(FBXO11):c.628A>G (p.Met210Val)

Gene: FBXO11 (F-box protein 11; minus strand). Cytogenetic location: 2p16.3.
Variant type: single nucleotide variant.
Coding change: c.628A>G on transcript NM_001190274.2 (MANE Select); coding-DNA position 628, A replaced by G.
Protein change: p.Met210Val; replaces methionine 210 with valine.
Molecular consequence: missense variant.
Genome position (GRCh38, 1-based): chr2:47,835,961, T>C on the plus strand (A>G on the coding strand, the complement: FBXO11 is on the minus strand). VCF-style: chr2-47835961-T-C. GRCh37 (hg19) VCF-style: chr2-48063100-T-C.
Other names: c.376A>G, p.Met126Val (NM_001374325.1, NM_025133.4); c.628A>G (NM_001190274.1); short protein forms M126V, M210V.
Identifiers: ClinVar variation 2175952 (VCV002175952.7), dbSNP rs1037057182, ClinGen allele CA47225365.
Genomic context (GRCh38, chr2:47,835,961, plus strand): 5'-TTGGATGTTCATACTCTTCTGGATTAATCTGGTAGAATTTTCCAGGTTCAGGATGCATCA[T>C]AGGGCGAGTATATTCAAATACTTCCATATATAATCGTTTCCTGAACAGAGAAAGGAATTA-3'
Protein context (NP_001177203.1, residues 200-220): YMEVFEYTRP[Met210Val]MHPEPGKFYQ

ClinVar aggregate classification (germline): Conflicting classifications of pathogenicity. Review status: criteria provided, conflicting classifications (1 of 4 stars). 2 submissions from 2 submitters: Uncertain significance (1); Likely benign (1). Last evaluated 2025-09-05.

Conditions:
Inborn genetic diseases. Identifiers: MedGen C0950123, MeSH D030342.

Allele frequency attached by ClinVar (database versions not stated): gnomAD exomes below 0.00001; TOPMed below 0.00001.
gnomAD v4.1: 3 of 1,610,898 alleles (0.00019%); highest among the groups gnomAD compares: Admixed American, 0.0017%; no homozygotes.

Submissions (2):

Labcorp Genetics (formerly Invitae), Labcorp
Classification: Likely benign. Last evaluated: 2025-09-05. Review status: criteria provided, single submitter. Criteria: Invitae Variant Classification Sherloc (09022015). Collection method: clinical testing. Allele origin: germline.

Ambry Genetics
Classification: Uncertain significance for Inborn genetic diseases. Last evaluated: 2025-07-12. Review status: criteria provided, single submitter. Criteria: Ambry Variant Classification Scheme 2023. Collection method: clinical testing. Allele origin: germline.
Comment: The c.628A>G (p.M210V) alteration is located in exon 5 (coding exon 5) of the FBXO11 gene. This alteration results from an A to G substitution at nucleotide position 628, causing the methionine (M) at amino acid position 210 to be replaced by a valine (V). This variant was not reported in population-based cohorts in the Genome Aggregation Database (gnomAD). This amino acid position is highly conserved in available vertebrate species. This alteration is predicted to be tolerated by in silico analysis. Based on insufficient or conflicting evidence, the clinical significance of this alteration remains unclear.